The following is an entry in ClinVar:

NM_001290321.3(DMXL1):c.6471T>G (p.Leu2157=)

Gene: DMXL1 (Dmx like 1; plus strand). Cytogenetic location: 5q23.1.
Variant type: single nucleotide variant.
Coding change: c.6471T>G on transcript NM_001290321.3 (MANE Select); coding-DNA position 6471, T replaced by G.
Protein change: p.Leu2157=; no amino-acid change (leucine 2157 retained).
Molecular consequence: synonymous variant. On other transcripts: non-coding transcript variant (3).
Genome position (GRCh38, 1-based): chr5:119,171,262, T>G. VCF-style: chr5-119171262-T-G. GRCh37 (hg19) VCF-style: chr5-118506957-T-G.
Other names: c.6471T>G, p.Leu2157= (NM_001349239.2, NM_001349240.2, NM_001387933.1 and 2 more transcripts); c.5766T>G, p.Leu1922= (NM_001387937.1); c.5484T>G, p.Leu1828= (NM_001387938.1); c.6471T>G (NM_001290321.2).
Identifiers: ClinVar variation 788986 (VCV000788986.5), dbSNP rs150342013, ClinGen allele CA3380553.

ClinVar aggregate classification (germline): Benign. Review status: criteria provided, single submitter (1 of 4 stars). 2 submissions from 2 submitters: Benign (1). 1 of the submissions does not count toward it. Last evaluated 2018-07-19.

Conditions:
DMXL1-related disorder. Also called: DMXL1-related condition.

Allele frequency attached by ClinVar (database versions not stated): gnomAD exomes 0.00060 and 0.00179; ExAC 0.00223; gnomAD 0.00697 and 0.00749; 1000 Genomes Project 0.00719; 1000 Genomes Project 30x 0.00750; ESP Exome Variant Server 0.00777; TOPMed 0.00811.
gnomAD v4.1: 1,972 of 1,596,766 alleles (0.12%); highest among the groups gnomAD compares: African/African-American, 2.4%; 21 homozygotes.

Submissions (2):

Labcorp Genetics (formerly Invitae), Labcorp
Classification: Benign. Last evaluated: 2018-07-19. Review status: criteria provided, single submitter. Criteria: Invitae Variant Classification Sherloc (09022015). Collection method: clinical testing. Allele origin: germline.

PreventionGenetics, part of Exact Sciences
Classification: Benign for DMXL1-related condition. Last evaluated: 2020-01-07. Review status: no assertion criteria provided. Collection method: clinical testing. Allele origin: germline. Not counted in ClinVar's aggregate classification.
Comment: This variant is classified as benign based on ACMG/AMP sequence variant interpretation guidelines (Richards et al. 2015 PMID: 25741868, with internal and published modifications).